The following is an entry in ClinVar:

ClinVar aggregate classification (germline): Conflicting classifications of pathogenicity. Review status: criteria provided, conflicting classifications (1 of 4 stars). 7 submissions from 7 submitters: Likely pathogenic (1); Uncertain significance (3). 3 of the submissions do not count toward it. Last evaluated 2026-09-11.

Conditions:
Dilated cardiomyopathy 1S (CMD1S). Identifiers: Orphanet 154, Orphanet 54260, MedGen C1834481, MONDO:0013262, OMIM 613426.
Cardiovascular phenotype. Identifiers: MedGen CN230736.
Desmin-related myofibrillar myopathy (MFM1). Also called: Desminopathy; MYOFIBRILLAR MYOPATHY WITH ARRHYTHMOGENIC RIGHT VENTRICULAR CARDIOMYOPATHY; DESMIN-RELATED MYOPATHY WITH ARRHYTHMOGENIC RIGHT VENTRICULAR CARDIOMYOPATHY; Desmin related myopathy (former name); Desmin storage myopathy (former name); Myofibrillar myopathy 1. Identifiers: Orphanet 363543, Orphanet 98909, MedGen C1832370, MONDO:0011076, OMIM 601419.

Submissions (7):

Ambry Genetics
Classification: Uncertain significance for Cardiovascular phenotype. Last evaluated: 2026-09-11. Review status: criteria provided, single submitter. Criteria: Ambry Variant Classification Scheme 2023. Collection method: clinical testing. Allele origin: germline.
Comment: The p.L136P variant (also known as c.407T>C), located in coding exon 1 of the DES gene, results from a T to C substitution at nucleotide position 407. The leucine at codon 136 is replaced by proline, an amino acid with similar properties. This variant was reported in individual(s) with features consistent with dilated cardiomyopathy (DCM) (Brodehl A et al. J Mol Cell Cardiol, 2016 Feb;91:207-14; Klauke B et al. PLoS One, 2017 Dec;12:e0189489). This amino acid position is well conserved in available vertebrate species. In addition, this alteration is predicted to be deleterious by in silico analysis. Based on the available evidence, the clinical significance of this variant remains unclear.

ARUP Laboratories, Molecular Genetics and Genomics, ARUP Laboratories
Classification: Uncertain significance. Last evaluated: 2025-02-12. Review status: criteria provided, single submitter. Criteria: ARUP Molecular Germline Variant Investigation Process 2024. Collection method: clinical testing. Allele origin: germline.
Comment: The DES c.407T>C; p.Leu136Pro variant (rs397516695, ClinVar Variation ID: 265811) is reported in the literature in two individuals with dilated cardiomyopathy (Brodehl 2016 and Klauke 2017). However, as noted in Bermudez-Jimenez and Jimenez-Jaimez (2017), the variant was identified in unaffected family members, including older individuals. This variant is absent from the Genome Aggregation Database (v2.1.1), indicating it is not a common polymorphism. Computational analyses predict that this variant is deleterious (REVEL: 0.98), and functional evidence was also presented in Brodehl et al (2016) demonstrating deleterious effects on filament organization. However, no additional DES variants we studied concurrently, including known pathogenic positive controls. Due to limited information, the clinical significance of this variant is uncertain at this time. References: Brodehl A et al. Functional characterization of the novel DES mutation p.L136P associated with dilated cardiomyopathy reveals a dominant filament assembly defect. J Mol Cell Cardiol. 2016 Feb;91:207-14. PMID: 26724190. Bermudez-Jimenez and Jimenez-Jaimez. Letter to Editor: Functional study is not the only criterion to predict the pathogenicity of a novel mutation for cardiomyopathy. J Mol Cell Cardiol. 2017 Aug;109:58-59. PMID: 28732691. Klauke B et al. High proportion of genetic cases in patients with advanced cardiomyopathy including a novel homozygous Plakophilin 2-gene mutation. PLoS One. 2017 Dec 18;12(12):e0189489. PMID: 29253866

Institute of Immunology and Genetics Kaiserslautern
Classification: Likely pathogenic for Desmin-related myofibrillar myopathy. Last evaluated: 2024-12-09. Review status: criteria provided, single submitter. Criteria: ACMG Guidelines, 2015. Collection method: clinical testing. Allele origin: germline. Affected: yes.
Comment: ACMG Criteria: PS3, PM2_P, PP3, PP4, PP5; Variant was found in heterozygous state

Labcorp Genetics (formerly Invitae), Labcorp
Classification: Uncertain significance for Desmin-related myofibrillar myopathy. Last evaluated: 2024-11-04. Review status: criteria provided, single submitter. Criteria: Invitae Variant Classification Sherloc (09022015). Collection method: clinical testing. Allele origin: germline.
Comment: This sequence change replaces leucine, which is neutral and non-polar, with proline, which is neutral and non-polar, at codon 136 of the DES protein (p.Leu136Pro). This variant is not present in population databases (gnomAD no frequency). This missense change has been observed in individual(s) with dilated cardiomyopathy (PMID: 26724190). ClinVar contains an entry for this variant (Variation ID: 265811). Invitae Evidence Modeling of protein sequence and biophysical properties (such as structural, functional, and spatial information, amino acid conservation, physicochemical variation, residue mobility, and thermodynamic stability) indicates that this missense variant is expected to disrupt DES protein function with a positive predictive value of 95%. Experimental studies have shown that this missense change affects DES function (PMID: 26724190). In summary, the available evidence is currently insufficient to determine the role of this variant in disease. Therefore, it has been classified as a Variant of Uncertain Significance.

Institut für Laboratoriums- und Transfusionsmedizin, Herz- und Diabeteszentrum Nordrhein-Westfalen
Classification: Likely pathogenic for Dilated cardiomyopathy 1S. Last evaluated: 2016-05-01. Review status: no assertion criteria provided. Collection method: clinical testing. Allele origin: inherited. Affected: no. Observed: 2 variant alleles. Not counted in ClinVar's aggregate classification.

Clinical Genetics DNA and cytogenetics Diagnostics Lab, Erasmus MC, Erasmus Medical Center
Classification: Likely pathogenic. Review status: no assertion criteria provided. Collection method: clinical testing. Allele origin: germline. Affected: yes. Study: VKGL Data-share Consensus. Not counted in ClinVar's aggregate classification.

Genome Diagnostics Laboratory, University Medical Center Utrecht
Classification: Likely pathogenic. Review status: no assertion criteria provided. Collection method: clinical testing. Allele origin: germline. Affected: yes. Study: VKGL Data-share Consensus. Not counted in ClinVar's aggregate classification.

Literature cited by the submitters: PubMed 26724190 (cited by Ambry Genetics and Labcorp Genetics (formerly Invitae), Labcorp); PubMed 29253866 (cited by Ambry Genetics).

NM_001927.4(DES):c.407T>C (p.Leu136Pro)

Gene: DES (desmin; plus strand). Cytogenetic location: 2q35.
Variant type: single nucleotide variant.
Coding change: c.407T>C on transcript NM_001927.4 (MANE Select); coding-DNA position 407, T replaced by C.
Protein change: p.Leu136Pro; replaces leucine 136 with proline.
Molecular consequence: missense variant.
Genome position (GRCh38, 1-based): chr2:219,418,869, T>C. VCF-style: chr2-219418869-T-C. GRCh37 (hg19) VCF-style: chr2-220283591-T-C.
Other names: c.407T>C (LRG_380t1); short protein forms L136P.
Identifiers: ClinVar variation 265811 (VCV000265811.10), dbSNP rs397516695, ClinGen allele CA350685955.
Genomic context (GRCh38, chr2:219,418,869, plus strand): 5'-ATGACCGCTTCGCCAACTACATCGAGAAGGTGCGCTTCCTGGAGCAGCAGAACGCGGCGC[T>C]CGCCGCCGAAGTGAACCGGCTCAAGGGCCGCGAGCCGACGCGAGTGGCCGAGCTCTACGA-3'
Protein context (NP_001918.3, residues 126-146): VRFLEQQNAA[Leu136Pro]AAEVNRLKGR